The following is an entry in ClinVar:

ClinVar aggregate classification (germline): Uncertain significance (1 of 4 stars; one submission).

Submission:

Labcorp Genetics (formerly Invitae), Labcorp
Classification: Uncertain significance. Last evaluated: 2022-06-13. Review status: criteria provided, single submitter. Criteria: Invitae Variant Classification Sherloc (09022015). Collection method: clinical testing. Allele origin: germline.
Comment: This variant has not been reported in the literature in individuals affected with RIMS1-related conditions. This variant is not present in population databases (gnomAD no frequency). This sequence change replaces isoleucine, which is neutral and non-polar, with threonine, which is neutral and polar, at codon 35 of the RIMS1 protein (p.Ile35Thr). In summary, the available evidence is currently insufficient to determine the role of this variant in disease. Therefore, it has been classified as a Variant of Uncertain Significance. ClinVar contains an entry for this variant (Variation ID: 957864). Algorithms developed to predict the effect of missense changes on protein structure and function are either unavailable or do not agree on the potential impact of this missense change (SIFT: "Deleterious"; PolyPhen-2: "Probably Damaging"; Align-GVGD: "Class C0").

NM_014989.7(RIMS1):c.104T>C (p.Ile35Thr)

Gene: RIMS1 (regulating synaptic membrane exocytosis 1; plus strand). Cytogenetic location: 6q13.
Variant type: single nucleotide variant.
Coding change: c.104T>C on transcript NM_014989.7 (MANE Select); coding-DNA position 104, T replaced by C.
Protein change: p.Ile35Thr; replaces isoleucine 35 with threonine.
Molecular consequence: missense variant.
Genome position (GRCh38, 1-based): chr6:71,887,127, T>C. VCF-style: chr6-71887127-T-C. GRCh37 (hg19) VCF-style: chr6-72596830-T-C.
Other names: c.104T>C, p.Ile35Thr (NM_001350411.1, NM_001350412.1, NM_001350413.1); short protein forms I35T.
Identifiers: ClinVar variation 957864 (VCV000957864.9), dbSNP rs1767960073, ClinGen allele CA364817860.
Genomic context (GRCh38, chr6:71,887,127, plus strand): 5'-TGCCTCCCCCCATGCAAGAGCTGCCCGACCTGAGCCACCTGACCGAAGAGGAGAGGAACA[T>C]TATCATGGCAGTGATGGACCGGCAGAAGGAAGAGGAGGAAAAAGAAGAAGCCATGCTCAA-3'
Protein context (NP_055804.2, residues 25-45): LSHLTEEERN[Ile35Thr]IMAVMDRQKE